The following is an entry in ClinVar:

ClinVar aggregate classification (germline): Uncertain significance (1 of 4 stars; one submission).

Conditions:
Short-rib thoracic dysplasia 11 with or without polydactyly (SRTD11). Also called: SHORT-RIB THORACIC DYSPLASIA 11 WITHOUT POLYDACTYLY. Identifiers: Orphanet 474, Orphanet 93271, MedGen C3810200, MONDO:0014287, OMIM 615633.

Allele frequency attached by ClinVar (database versions not stated): TOPMed below 0.00001; ExAC 0.00002; gnomAD exomes 0.00002.
gnomAD v4.1: 4 of 1,612,936 alleles (0.00025%); highest among the groups gnomAD compares: Admixed American, 0.0067%; no homozygotes.

Submission:

Labcorp Genetics (formerly Invitae), Labcorp
Classification: Uncertain significance for Short-rib thoracic dysplasia 11 with or without polydactyly. Last evaluated: 2022-09-13. Review status: criteria provided, single submitter. Criteria: Invitae Variant Classification Sherloc (09022015). Collection method: clinical testing. Allele origin: germline.
Comment: In summary, the available evidence is currently insufficient to determine the role of this variant in disease. Therefore, it has been classified as a Variant of Uncertain Significance. Variants that disrupt the consensus splice site are a relatively common cause of aberrant splicing (PMID: 17576681, 9536098). Algorithms developed to predict the effect of sequence changes on RNA splicing suggest that this variant may disrupt the consensus splice site. ClinVar contains an entry for this variant (Variation ID: 1681245). This variant has not been reported in the literature in individuals affected with WDR34-related conditions. This variant is present in population databases (rs756949101, gnomAD 0.01%). This sequence change falls in intron 2 of the WDR34 gene. It does not directly change the encoded amino acid sequence of the WDR34 protein. It affects a nucleotide within the consensus splice site.

Literature cited by the submitters: PubMed 17576681; PubMed 9536098.

NM_052844.4(DYNC2I2):c.435+6G>C

Gene: DYNC2I2 (dynein 2 intermediate chain 2; minus strand). Cytogenetic location: 9q34.11.
Variant type: single nucleotide variant.
Coding change: c.435+6G>C on transcript NM_052844.4 (MANE Select); 6 bases into the intron after coding-DNA position 435, G replaced by C.
Molecular consequence: intron variant.
Genome position (GRCh38, 1-based): chr9:128,640,685, C>G on the plus strand (G>C on the coding strand, the complement: DYNC2I2 is on the minus strand). VCF-style: chr9-128640685-C-G. GRCh37 (hg19) VCF-style: chr9-131402964-C-G.
Identifiers: ClinVar variation 1681245 (VCV001681245.6), dbSNP rs756949101, ClinGen allele CA5266629.